The following is an entry in ClinVar:

ClinVar aggregate classification (germline): Uncertain significance. Review status: criteria provided, multiple submitters, no conflicts (2 of 4 stars). 3 submissions from 3 submitters: Uncertain significance (3). Last evaluated 2026-01-17.

Conditions:
Cardiovascular phenotype. Identifiers: MedGen CN230736.
LAMA4-related disorder. Also called: LAMA4-related condition.
Dilated cardiomyopathy 1JJ (CMD1JJ). Identifiers: Orphanet 154, MedGen C3808935, MONDO:0014095, OMIM 615235.

Submissions (3):

Ambry Genetics
Classification: Uncertain significance for Cardiovascular phenotype. Last evaluated: 2026-01-17. Review status: criteria provided, single submitter. Criteria: Ambry Variant Classification Scheme 2023. Collection method: clinical testing. Allele origin: germline.
Comment: The p.A280S variant (also known as c.838G>T), located in coding exon 7 of the LAMA4 gene, results from a G to T substitution at nucleotide position 838. The alanine at codon 280 is replaced by serine, an amino acid with similar properties. This amino acid position is conserved. In addition, this alteration is predicted to be tolerated by in silico analysis. Based on the available evidence, the clinical significance of this variant remains unclear.

Labcorp Genetics (formerly Invitae), Labcorp
Classification: Uncertain significance for Dilated cardiomyopathy 1JJ. Last evaluated: 2025-06-01. Review status: criteria provided, single submitter. Criteria: Invitae Variant Classification Sherloc (09022015). Collection method: clinical testing. Allele origin: germline.
Comment: This sequence change replaces alanine, which is neutral and non-polar, with serine, which is neutral and polar, at codon 280 of the LAMA4 protein (p.Ala280Ser). This variant is not present in population databases (gnomAD no frequency). This variant has not been reported in the literature in individuals affected with LAMA4-related conditions. ClinVar contains an entry for this variant (Variation ID: 1019958). Invitae Evidence Modeling of protein sequence and biophysical properties (such as structural, functional, and spatial information, amino acid conservation, physicochemical variation, residue mobility, and thermodynamic stability) indicates that this missense variant is not expected to disrupt LAMA4 protein function with a negative predictive value of 80%. In summary, the available evidence is currently insufficient to determine the role of this variant in disease. Therefore, it has been classified as a Variant of Uncertain Significance.

PreventionGenetics, part of Exact Sciences
Classification: Uncertain significance for LAMA4-related condition. Last evaluated: 2022-08-25. Review status: criteria provided, single submitter. Criteria: ACMG Guidelines, 2015. Collection method: clinical testing. Allele origin: germline.
Comment: The LAMA4 c.838G>T variant is predicted to result in the amino acid substitution p.Ala280Ser. To our knowledge, this variant has not been reported in the literature or in a large population database, indicating this variant is rare. At this time, the clinical significance of this variant is uncertain due to the absence of conclusive functional and genetic evidence.

NM_001105206.3(LAMA4):c.859G>T (p.Ala287Ser)

Gene: LAMA4 (laminin subunit alpha 4; minus strand). Cytogenetic location: 6q21.
Variant type: single nucleotide variant.
Coding change: c.859G>T on transcript NM_001105206.3 (MANE Select); coding-DNA position 859, G replaced by T.
Protein change: p.Ala287Ser; replaces alanine 287 with serine.
Molecular consequence: missense variant.
Genome position (GRCh38, 1-based): chr6:112,187,557, C>A on the plus strand (G>T on the coding strand, the complement: LAMA4 is on the minus strand). VCF-style: chr6-112187557-C-A. GRCh37 (hg19) VCF-style: chr6-112508759-C-A.
Other names: c.838G>T (NM_002290.4, NM_002290.3); c.838G>T, p.Ala280Ser (NM_001105207.3, NM_002290.5); short protein forms A280S, A287S.
Identifiers: ClinVar variation 1019958 (VCV001019958.10), dbSNP rs1782763341, ClinGen allele CA365376210.